The following is an entry in ClinVar:

NM_003803.4(MYOM1):c.119C>T (p.Thr40Ile)

Gene: MYOM1 (myomesin 1; minus strand). Cytogenetic location: 18p11.31.
Variant type: single nucleotide variant.
Coding change: c.119C>T on transcript NM_003803.4 (MANE Select); coding-DNA position 119, C replaced by T.
Protein change: p.Thr40Ile; replaces threonine 40 with isoleucine.
Molecular consequence: missense variant.
Genome position (GRCh38, 1-based): chr18:3,215,105, G>A on the plus strand (C>T on the coding strand, the complement: MYOM1 is on the minus strand). VCF-style: chr18-3215105-G-A. GRCh37 (hg19) VCF-style: chr18-3215103-G-A.
Other names: c.119C>T, p.Thr40Ile (NM_019856.2); short protein forms T40I.
Identifiers: ClinVar variation 1444786 (VCV001444786.6), dbSNP rs759358324, ClinGen allele CA295537551.

ClinVar aggregate classification (germline): Uncertain significance (1 of 4 stars; one submission).

Conditions:
Hypertrophic cardiomyopathy. Also called: HYPERTROPHIC MYOCARDIOPATHY. Identifiers: Orphanet 217569, MedGen C0007194, MeSH D002312, MONDO:0005045, HP:0001639.

Allele frequency attached by ClinVar (database versions not stated): gnomAD exomes below 0.00001.
gnomAD v4.1: 2 of 1,613,868 alleles (0.00012%); highest among the groups gnomAD compares: Non-Finnish European, 0.00017%; no homozygotes.

Submission:

Labcorp Genetics (formerly Invitae), Labcorp
Classification: Uncertain significance for Hypertrophic cardiomyopathy. Last evaluated: 2022-10-17. Review status: criteria provided, single submitter. Criteria: Invitae Variant Classification Sherloc (09022015). Collection method: clinical testing. Allele origin: germline.
Comment: This sequence change replaces threonine, which is neutral and polar, with isoleucine, which is neutral and non-polar, at codon 40 of the MYOM1 protein (p.Thr40Ile). This variant is present in population databases (rs759358324, gnomAD 0.0009%). This variant has not been reported in the literature in individuals affected with MYOM1-related conditions. ClinVar contains an entry for this variant (Variation ID: 1444786). Algorithms developed to predict the effect of missense changes on protein structure and function (SIFT, PolyPhen-2, Align-GVGD) all suggest that this variant is likely to be tolerated. In summary, the available evidence is currently insufficient to determine the role of this variant in disease. Therefore, it has been classified as a Variant of Uncertain Significance.